The following is an entry in ClinVar:

NM_000080.4(CHRNE):c.1250C>A (p.Ala417Asp)

Gene: CHRNE (cholinergic receptor nicotinic epsilon subunit; minus strand). Cytogenetic location: 17p13.2.
Variant type: single nucleotide variant.
Coding change: c.1250C>A on transcript NM_000080.4 (MANE Select); coding-DNA position 1250, C replaced by A.
Protein change: p.Ala417Asp; replaces alanine 417 with aspartic acid.
Molecular consequence: missense variant.
Genome position (GRCh38, 1-based): chr17:4,899,077, G>T on the plus strand (C>A on the coding strand, the complement: CHRNE is on the minus strand). VCF-style: chr17-4899077-G-T. GRCh37 (hg19) VCF-style: chr17-4802372-G-T.
Other names: short protein forms A417D.
Identifiers: ClinVar variation 4064708 (VCV004064708.2).

ClinVar aggregate classification (germline): Uncertain significance. Review status: criteria provided, single submitter (1 of 4 stars). 2 submissions from 2 submitters: Uncertain significance (1). 1 of the submissions does not count toward it. Last evaluated 2026-06-24.

Conditions:
Inborn genetic diseases. Identifiers: MedGen C0950123, MeSH D030342.
Congenital myasthenic syndrome (CMS). Also called: Congenital Myasthenic Syndromes. Identifiers: Orphanet 590, MedGen C0751882, MeSH D020294, MONDO:0018940.

gnomAD v4.1: 2 of 1,611,268 alleles (0.00012%); highest among the groups gnomAD compares: Non-Finnish European, 0.00017%; no homozygotes.

Submissions (2):

Ambry Genetics
Classification: Uncertain significance for Inborn genetic diseases. Last evaluated: 2026-06-24. Review status: criteria provided, single submitter. Criteria: Ambry Variant Classification Scheme 2023. Collection method: clinical testing. Allele origin: germline.
Comment: The c.1250C>A (p.A417D) alteration is located in exon 11 (coding exon 11) of the CHRNE gene. This alteration results from a C to A substitution at nucleotide position 1250, causing the alanine (A) at amino acid position 417 to be replaced by an aspartic acid (D). Based on data from gnomAD, the A allele has an overall frequency of <0.001% (1/240746) total alleles studied. The highest observed frequency was 0.001% (1/108032) of European (non-Finnish) alleles. Based on insufficient or conflicting evidence, the clinical significance of this alteration remains unclear.

Natera, Inc.
Classification: Uncertain significance for Congenital myasthenic syndrome. Last evaluated: 2025-03-24. Review status: no assertion criteria provided. Collection method: clinical testing. Allele origin: germline. Not counted in ClinVar's aggregate classification.